The following is an entry in ClinVar:

ClinVar aggregate classification (germline): Conflicting classifications of pathogenicity. Review status: criteria provided, conflicting classifications (1 of 4 stars). 9 submissions from 9 submitters: Uncertain significance (5); Likely benign (2). 2 of the submissions do not count toward it. Last evaluated 2025-12-29.

Conditions:
Malignant tumor of pancreas. Also called: Malignant pancreatic neoplasm; Pancreatic cancer; Cancer of the pancreas. Identifiers: MedGen C0346647, MONDO:0009831.
BRCA2-related cancer predisposition. Identifiers: MedGen CN377758, MONDO:0700269.
Hereditary cancer-predisposing syndrome. Also called: Hereditary Cancer Syndrome; Hereditary neoplastic syndrome; Neoplastic Syndromes, Hereditary; Tumor predisposition. Identifiers: Orphanet 140162, MedGen C0027672, MeSH D009386, MONDO:0015356.
Hereditary breast ovarian cancer syndrome. Also called: Hereditary breast and/or ovarian cancer syndrome; Breast and ovarian cancer; BRCA1- and BRCA2-Associated Hereditary Breast and Ovarian Cancer; Hereditary breast and ovarian cancer syndrome; Hereditary breast and ovarian cancer syndrome (HBOC); Hereditary breast and ovarian cancer. Identifiers: Orphanet 145, MedGen C0677776, MeSH D061325, MONDO:0003582. Disease mechanism: loss of function.
Familial cancer of breast. Also called: Hereditary breast cancer; BREAST CANCER, FAMILIAL; hereditary breast carcinoma. Identifiers: Orphanet 227535, MedGen C0346153, MONDO:0016419, OMIM 114480. Disease mechanism: loss of function.

Allele frequency attached by ClinVar (database versions not stated): TOPMed below 0.00001; ExAC 0.00002; gnomAD exomes 0.00002.
gnomAD v4.1: 1 of 1,592,436 alleles (0.000063%); highest among the groups gnomAD compares: East Asian, 0.0022%; no homozygotes.

Submissions (9):

Center for Genomic Medicine, Rigshospitalet, Copenhagen University Hospital
Classification: Likely benign. Last evaluated: 2025-12-29. Review status: criteria provided, single submitter. Criteria: ACMG Guidelines, 2015. Collection method: clinical testing. Allele origin: germline.
Comment: Classification criteria: BP1_strong

Labcorp Genetics (formerly Invitae), Labcorp
Classification: Uncertain significance for Hereditary breast ovarian cancer syndrome. Last evaluated: 2025-09-15. Review status: criteria provided, single submitter. Criteria: Invitae Variant Classification Sherloc (09022015). Collection method: clinical testing. Allele origin: germline.
Comment: This sequence change replaces valine, which is neutral and non-polar, with leucine, which is neutral and non-polar, at codon 891 of the BRCA2 protein (p.Val891Leu). This variant is present in population databases (rs756951335, gnomAD 0.02%). This missense change has been observed in individual(s) with breast, ovarian cancer, or colon cancer (PMID: 30093976, 35918668). ClinVar contains an entry for this variant (Variation ID: 216241). Invitae Evidence Modeling of protein sequence and biophysical properties (such as structural, functional, and spatial information, amino acid conservation, physicochemical variation, residue mobility, and thermodynamic stability) indicates that this missense variant is not expected to disrupt BRCA2 protein function with a negative predictive value of 95%. In summary, the available evidence is currently insufficient to determine the role of this variant in disease. Therefore, it has been classified as a Variant of Uncertain Significance.

All of Us Research Program, National Institutes of Health
Classification: Uncertain significance for BRCA2-related cancer predisposition. Last evaluated: 2024-05-14. Review status: criteria provided, single submitter. Criteria: ACMG Guidelines, 2015. Collection method: clinical testing. Allele origin: germline. Inheritance: Autosomal dominant inheritance. Observed: 4 variant alleles, 4 heterozygotes.
Comment: This missense variant replaces valine with leucine at codon 891 of the BRCA2 protein. Computational prediction suggests that this variant may not impact protein structure and function (internally defined REVEL score threshold <= 0.5, PMID: 27666373). To our knowledge, functional studies have not been performed for this variant. This variant has been identified in at least one individual with breast cancer, though has also been identified in clinically healthy individuals (PMID: 30093976, 33471991; Leiden Open Variation Database DB-ID BRCA2_007975). This variant has been identified in 4/232918 chromosomes in the general population by the Genome Aggregation Database (gnomAD). The available evidence is insufficient to determine the role of this variant in disease conclusively. Therefore, this variant is classified as a Variant of Uncertain Significance.

This study involves interpretation of variants in research participants for the purpose of population health screening. Participant phenotype was not available at the time of variant classification. Additional details can be found in publication PMID: 35346344, PMCID: PMC8962531

Color Diagnostics, LLC DBA Color Health
Classification: Uncertain significance for Hereditary cancer-predisposing syndrome. Last evaluated: 2024-04-24. Review status: criteria provided, single submitter. Criteria: ACMG Guidelines, 2015. Collection method: clinical testing. Allele origin: germline.
Comment: This missense variant replaces valine with leucine at codon 891 of the BRCA2 protein. Computational prediction suggests that this variant may not impact protein structure and function. To our knowledge, functional studies have not been performed for this variant. This variant has been identified in at least one individual affected with breast cancer and two unaffected individuals (PMID: 30093976, 33471991; Leiden Open Variation Database DB-ID BRCA2_007975). This variant has been identified in 4/232918 chromosomes in the general population by the Genome Aggregation Database (gnomAD). The available evidence is insufficient to determine the role of this variant in disease conclusively. Therefore, this variant is classified as a Variant of Uncertain Significance.

Ambry Genetics
Classification: Uncertain significance for Hereditary cancer-predisposing syndrome. Last evaluated: 2024-04-05. Review status: criteria provided, single submitter. Criteria: Ambry Variant Classification Scheme 2023. Collection method: clinical testing. Allele origin: germline.
Comment: The p.V891L variant (also known as c.2671G>C), located in coding exon 10 of the BRCA2 gene, results from a G to C substitution at nucleotide position 2671. The valine at codon 891 is replaced by leucine, an amino acid with highly similar properties. This alteration was detected in 1/1664 Chinese Hakka patients with breast and/or ovarian cancer (Zhang Y et al. BMC Cancer, 2022 Aug;22:842). This amino acid position is poorly conserved in available vertebrate species. In addition, this alteration is predicted to be tolerated by in silico analysis. Based on the available evidence, the clinical significance of this variant remains unclear.

University of Washington Department of Laboratory Medicine, University of Washington
Classification: Likely benign for Hereditary cancer-predisposing syndrome. Last evaluated: 2023-03-23. Review status: criteria provided, single submitter. Criteria: Dines et al. (Genet Med. 2020). Collection method: curation. Allele origin: germline.
Comment: Missense variant in a coldspot region where missense variants are very unlikely to be pathogenic (PMID:31911673).

BRCA2 exon 11 coldspot. Reclassification based on statistical prior probability.

GeneDx
Classification: Uncertain significance. Last evaluated: 2019-12-23. Review status: criteria provided, single submitter. Criteria: GeneDx Variant Classification Process June 2021. Collection method: clinical testing. Allele origin: germline. Affected: yes.
Comment: Observed in individuals with multiple primary cancers (Chan 2018); In silico analysis, which includes protein predictors and evolutionary conservation, supports that this variant does not alter protein structure/function; Also known as 2899G>C; This variant is associated with the following publications: (PMID: 30093976)

3DMed Clinical Laboratory Inc
Classification: Uncertain significance for Cancer of the pancreas. Last evaluated: 2017-01-16. Review status: no assertion criteria provided. Criteria: ACMG Guidelines, 2015. Collection method: clinical testing. Allele origin: germline. Affected: yes. Not counted in ClinVar's aggregate classification.

Center for Precision Medicine, Meizhou People's Hospital
Classification: Uncertain significance for Familial cancer of breast. Review status: no assertion criteria provided. Collection method: literature only. Allele origin: germline. Affected: yes. Not counted in ClinVar's aggregate classification.

Literature cited by the submitters: PubMed 30093976 (cited by 4 submitters); PubMed 35918668 (cited by Labcorp Genetics (formerly Invitae), Labcorp and Ambry Genetics); PubMed 33471991 (cited by All of Us Research Program, National Institutes of Health and Color Diagnostics, LLC DBA Color Health).

NM_000059.4(BRCA2):c.2671G>C (p.Val891Leu)

Gene: BRCA2 (BRCA2 DNA repair associated; plus strand). Cytogenetic location: 13q13.1.
Variant type: single nucleotide variant.
Coding change: c.2671G>C on transcript NM_000059.4 (MANE Select); coding-DNA position 2671, G replaced by C.
Protein change: p.Val891Leu; replaces valine 891 with leucine.
Molecular consequence: missense variant.
Genome position (GRCh38, 1-based): chr13:32,337,026, G>C. VCF-style: chr13-32337026-G-C. GRCh37 (hg19) VCF-style: chr13-32911163-G-C.
Other names: short protein forms V891L.
Identifiers: ClinVar variation 216241 (VCV000216241.30), dbSNP rs756951335, ClinGen allele CA337799.